The following is an entry in ClinVar:

ClinVar aggregate classification (germline): Uncertain significance. Review status: criteria provided, multiple submitters, no conflicts (2 of 4 stars). 2 submissions from 2 submitters: Uncertain significance (2). Last evaluated 2026-02-05.

Conditions:
Mitochondrial complex II deficiency, nuclear type 1. Also called: SUCCINATE CoQ REDUCTASE DEFICIENCY. Identifiers: Orphanet 3208, MedGen C5700310, MONDO:0100294, OMIM 252011.
Pheochromocytoma/paraganglioma syndrome 5. Also called: Paragangliomas 5; SDHA-Related Hereditary Paraganglioma-Pheochromocytoma Syndrome. Identifiers: Orphanet 29072, MedGen C3279992, MONDO:0013602, OMIM 614165.
Hereditary cancer-predisposing syndrome. Also called: Tumor predisposition; Hereditary neoplastic syndrome; Neoplastic Syndromes, Hereditary; Hereditary Cancer Syndrome. Identifiers: Orphanet 140162, MedGen C0027672, MeSH D009386, MONDO:0015356.

Submissions (2):

Ambry Genetics
Classification: Uncertain significance for Hereditary cancer-predisposing syndrome. Last evaluated: 2026-02-05. Review status: criteria provided, single submitter. Criteria: Ambry Variant Classification Scheme 2023. Collection method: clinical testing. Allele origin: germline.
Comment: The p.E567K variant (also known as c.1699G>A), located in coding exon 13 of the SDHA gene, results from a G to A substitution at nucleotide position 1699. The glutamic acid at codon 567 is replaced by lysine, an amino acid with similar properties. This amino acid position is highly conserved in available vertebrate species. In addition, this alteration is predicted to be deleterious by in silico analysis. Based on the available evidence, the clinical significance of this variant remains unclear.

Labcorp Genetics (formerly Invitae), Labcorp
Classification: Uncertain significance for Pheochromocytoma/paraganglioma syndrome 5; Mitochondrial complex II deficiency, nuclear type 1. Last evaluated: 2025-04-27. Review status: criteria provided, single submitter. Criteria: Invitae Variant Classification Sherloc (09022015). Collection method: clinical testing. Allele origin: germline.
Comment: This sequence change replaces glutamic acid, which is acidic and polar, with lysine, which is basic and polar, at codon 567 of the SDHA protein (p.Glu567Lys). This variant is not present in population databases (gnomAD no frequency). This variant has not been reported in the literature in individuals affected with SDHA-related conditions. ClinVar contains an entry for this variant (Variation ID: 1025058). Invitae Evidence Modeling of protein sequence and biophysical properties (such as structural, functional, and spatial information, amino acid conservation, physicochemical variation, residue mobility, and thermodynamic stability) has been performed for this missense variant. However, the output from this modeling did not meet the statistical confidence thresholds required to predict the impact of this variant on SDHA protein function. In summary, the available evidence is currently insufficient to determine the role of this variant in disease. Therefore, it has been classified as a Variant of Uncertain Significance.

NM_004168.4(SDHA):c.1699G>A (p.Glu567Lys)

Gene: SDHA (succinate dehydrogenase complex flavoprotein subunit A; plus strand). Cytogenetic location: 5p15.33.
Variant type: single nucleotide variant.
Coding change: c.1699G>A on transcript NM_004168.4 (MANE Select); coding-DNA position 1699, G replaced by A.
Protein change: p.Glu567Lys; replaces glutamic acid 567 with lysine.
Molecular consequence: missense variant. On other transcripts: intron variant (1).
Genome position (GRCh38, 1-based): chr5:251,373, G>A. VCF-style: chr5-251373-G-A. GRCh37 (hg19) VCF-style: chr5-251488-G-A.
Other names: c.1555G>A, p.Glu519Lys (NM_001294332.2); c.1552-3020G>A (NM_001330758.2); c.1699G>A (NM_004168.2); short protein forms E519K, E567K.
Identifiers: ClinVar variation 1025058 (VCV001025058.11), dbSNP rs1736816371, ClinGen allele CA358999999.